The following is an entry in ClinVar:

NM_138927.4(SON):c.2119C>T (p.Pro707Ser)

Gene: SON (SON DNA and RNA binding protein; plus strand). Cytogenetic location: 21q22.11.
Variant type: single nucleotide variant.
Coding change: c.2119C>T on transcript NM_138927.4 (MANE Select); coding-DNA position 2119, C replaced by T.
Protein change: p.Pro707Ser; replaces proline 707 with serine.
Molecular consequence: missense variant. On other transcripts: non-coding transcript variant (1), intron variant (1).
Genome position (GRCh38, 1-based): chr21:33,551,350, C>T. VCF-style: chr21-33551350-C-T. GRCh37 (hg19) VCF-style: chr21-34923656-C-T.
Other names: c.2119C>T, p.Pro707Ser (NM_001291411.2, NM_001412133.1, NM_032195.3 and 2 more transcripts); c.244+4971C>T (NM_001291412.3); c.2119C>T (NM_138927.2); short protein forms P707S.
Identifiers: ClinVar variation 2060891 (VCV002060891.6), dbSNP rs780957202, ClinGen allele CA10009029.

ClinVar aggregate classification (germline): Conflicting classifications of pathogenicity. Review status: criteria provided, conflicting classifications (1 of 4 stars). 3 submissions from 3 submitters: Uncertain significance (2); Likely benign (1). Last evaluated 2025-12-11.

Conditions:
SON-related disorder. Also called: SON-related condition.

Allele frequency attached by ClinVar (database versions not stated): ExAC 0.00001; gnomAD 0.00001; gnomAD exomes 0.00001; TOPMed 0.00002.
gnomAD v4.1: 5 of 1,613,984 alleles (0.00031%); highest among the groups gnomAD compares: Admixed American, 0.0067%; no homozygotes.

Submissions (3):

Women's Health and Genetics/Laboratory Corporation of America, LabCorp
Classification: Uncertain significance. Last evaluated: 2025-12-11. Review status: criteria provided, single submitter. Criteria: LabCorp Variant Classification Summary - May 2015. Collection method: clinical testing. Allele origin: germline.
Comment: Variant summary: SON c.2119C>T (p.Pro707Ser) results in a non-conservative amino acid change in the encoded protein sequence. Algorithms developed to predict the effect of missense changes on protein structure and function are either unavailable or do not agree on the potential impact of this missense change. The variant allele was found at a frequency of 1.2e-05 in 251374 control chromosomes. The available data on variant occurrences in the general population are insufficient to allow any conclusion about variant significance. To our knowledge, no occurrence of c.2119C>T in individuals affected with SON-related conditions and no experimental evidence demonstrating its impact on protein function have been reported. ClinVar contains an entry for this variant (Variation ID: 2060891). Based on the evidence outlined above, the variant was classified as uncertain significance.

Labcorp Genetics (formerly Invitae), Labcorp
Classification: Likely benign. Last evaluated: 2025-10-01. Review status: criteria provided, single submitter. Criteria: Invitae Variant Classification Sherloc (09022015). Collection method: clinical testing. Allele origin: germline.

PreventionGenetics, part of Exact Sciences
Classification: Uncertain significance for SON-related condition. Last evaluated: 2024-12-03. Review status: criteria provided, single submitter. Criteria: ACMG Guidelines, 2015. Collection method: clinical testing. Allele origin: germline.
Comment: The SON c.2119C>T variant is predicted to result in the amino acid substitution p.Pro707Ser. To our knowledge, this variant has not been reported in the literature. This variant is reported in 0.0087% of alleles in individuals of Latino descent in gnomAD. At this time, the clinical significance of this variant is uncertain due to the absence of conclusive functional and genetic evidence.